The following is an entry in ClinVar:

NM_172107.4(KCNQ2):c.1364A>G (p.Lys455Arg)

Gene: KCNQ2 (potassium voltage-gated channel subfamily Q member 2; minus strand). Cytogenetic location: 20q13.33.
Variant type: single nucleotide variant.
Coding change: c.1364A>G on transcript NM_172107.4 (MANE Select); coding-DNA position 1364, A replaced by G.
Protein change: p.Lys455Arg; replaces lysine 455 with arginine.
Molecular consequence: missense variant.
Genome position (GRCh38, 1-based): chr20:63,415,064, T>C on the plus strand (A>G on the coding strand, the complement: KCNQ2 is on the minus strand). VCF-style: chr20-63415064-T-C. GRCh37 (hg19) VCF-style: chr20-62046417-T-C.
Other names: c.1310A>G, p.Lys437Arg (NM_001382235.1, NM_172106.3); c.1280A>G, p.Lys427Arg (NM_004518.6); c.1274A>G, p.Lys425Arg (NM_172108.5); short protein forms K427R, K425R, K455R, K437R.
Identifiers: ClinVar variation 2882091 (VCV002882091.3), dbSNP rs2080245099, ClinGen allele CA409646740.

ClinVar aggregate classification (germline): Uncertain significance (1 of 4 stars; one submission).

Conditions:
Early-infantile DEE. Also called: Ohtahara syndrome; Early infantile epileptic encephalopathy; Early infantile epileptic encephalopathy with suppression bursts. Identifiers: Orphanet 1934, MedGen C0393706, MONDO:0800491.

Allele frequency attached by ClinVar (database versions not stated): gnomAD exomes below 0.00001; TOPMed below 0.00001.
gnomAD v4.1: 1 of 1,607,156 alleles (0.000062%); highest among the groups gnomAD compares: Admixed American, 0.0017%; no homozygotes.

Submission:

Labcorp Genetics (formerly Invitae), Labcorp
Classification: Uncertain significance for Early-infantile DEE. Last evaluated: 2023-03-25. Review status: criteria provided, single submitter. Criteria: Invitae Variant Classification Sherloc (09022015). Collection method: clinical testing. Allele origin: germline.
Comment: Advanced modeling of protein sequence and biophysical properties (such as structural, functional, and spatial information, amino acid conservation, physicochemical variation, residue mobility, and thermodynamic stability) performed at Invitae indicates that this missense variant is expected to disrupt KCNQ2 protein function. In summary, the available evidence is currently insufficient to determine the role of this variant in disease. Therefore, it has been classified as a Variant of Uncertain Significance. This variant has not been reported in the literature in individuals affected with KCNQ2-related conditions. This sequence change replaces lysine, which is basic and polar, with arginine, which is basic and polar, at codon 455 of the KCNQ2 protein (p.Lys455Arg). This variant is not present in population databases (gnomAD no frequency).